The following is an entry in ClinVar:

NC_000023.10:g.(?_85119635)_(85119846_?)del

Gene: CHM (CHM Rab escort protein; minus strand). Cytogenetic location: Xq21.2.
Variant type: Deletion.
Identifiers: ClinVar variation 1071376 (VCV001071376.3).

ClinVar aggregate classification (germline): Pathogenic (1 of 4 stars; one submission).

Submission:

Labcorp Genetics (formerly Invitae), Labcorp
Classification: Pathogenic. Last evaluated: 2020-08-16. Review status: criteria provided, single submitter. Criteria: Invitae Variant Classification Sherloc (09022015). Collection method: clinical testing. Allele origin: germline.
Comment: This variant is a gross deletion of the genomic region encompassing exon(s) 15 of the CHM gene. The 5' boundary is likely confined to intron 14. The 3' end of this event is unknown as it extends through the termination codon beyond the assayed region for this gene and may encompass additional genes. While this deletion is not anticipated to result in nonsense mediated decay, it is expected to create a truncated protein product or disrupt mRNA translation. For these reasons, this variant has been classified as Pathogenic. This variant has been observed in individual(s) with choroideremia (PMID: 28752371, Invitae).

Literature cited by the submitters: PubMed 28752371.